The following is an entry in ClinVar:

NM_031407.7(HUWE1):c.7597G>A (p.Gly2533Ser)

Gene: HUWE1 (HECT, UBA and WWE domain containing E3 ubiquitin protein ligase 1; minus strand). Cytogenetic location: Xp11.22.
Variant type: single nucleotide variant.
Coding change: c.7597G>A on transcript NM_031407.7 (MANE Select); coding-DNA position 7597, G replaced by A.
Protein change: p.Gly2533Ser; replaces glycine 2533 with serine.
Molecular consequence: missense variant.
Genome position (GRCh38, 1-based): chrX:53,560,327, C>T on the plus strand (G>A on the coding strand, the complement: HUWE1 is on the minus strand). VCF-style: chrX-53560327-C-T. GRCh37 (hg19) VCF-style: chrX-53587288-C-T.
Other names: short protein forms G2533S.
Identifiers: ClinVar variation 1695992 (VCV001695992.1), dbSNP rs2147610748, ClinGen allele CA413155462.
Genomic context (GRCh38, chrX:53,560,327, plus strand): 5'-GCTGCCTTAGGGTCCTCTGACTGCGCCCGATGCCCTGGGTGAGACGAGTTGTTGAAGAGC[C>T]ACTGCCCAGTGTCAGAGAACTGTGGTCTGCATGGCGCACCATCAGTGGATGGGTGGTAGG-3'
Protein context (NP_113584.3, residues 2523-2543): ADHSSLTLGS[Gly2533Ser]SSTTRLTQGI

ClinVar aggregate classification (germline): Uncertain significance (1 of 4 stars; one submission).

Submission:

Women's Health and Genetics/Laboratory Corporation of America, LabCorp
Classification: Uncertain significance. Last evaluated: 2022-05-16. Review status: criteria provided, single submitter. Criteria: LabCorp Variant Classification Summary - May 2015. Collection method: clinical testing. Allele origin: germline.
Comment: Variant summary: HUWE1 c.7597G>A (p.Gly2533Ser) results in a non-conservative amino acid change in the encoded protein sequence. Three of five in-silico tools predict a benign effect of the variant on protein function. The variant was absent in 183347 control chromosomes. The available data on variant occurrences in the general population are insufficient to allow any conclusion about variant significance. To our knowledge, no occurrence of c.7597G>A in individuals affected with Intellectual Disability, X-Linked Syndromic, Turner Type and no experimental evidence demonstrating its impact on protein function have been reported. No clinical diagnostic laboratories have submitted clinical-significance assessments for this variant to ClinVar after 2014. Based on the evidence outlined above, the variant was classified as uncertain significance.